The following is an entry in ClinVar:

ClinVar aggregate classification (germline): Uncertain significance. Review status: criteria provided, multiple submitters, no conflicts (2 of 4 stars). 2 submissions from 2 submitters: Uncertain significance (2). Last evaluated 2021-09-17.

Conditions:
Deficiency of alpha-mannosidase (MANSA). Also called: Mannosidosis, alpha-, types I and II; Alpha-Mannosidosis; LYSOSOMAL ALPHA-D-MANNOSIDASE DEFICIENCY. Identifiers: Orphanet 61, MedGen C0024748, MONDO:0009561, OMIM 248500.
Inborn genetic diseases. Identifiers: MedGen C0950123, MeSH D030342.

Allele frequency attached by ClinVar (database versions not stated): gnomAD exomes 0.00002; TOPMed 0.00005.
gnomAD v4.1: 9 of 1,574,368 alleles (0.00057%); highest among the groups gnomAD compares: Admixed American, 0.016%; no homozygotes.

Submissions (2):

Labcorp Genetics (formerly Invitae), Labcorp
Classification: Uncertain significance for Deficiency of alpha-mannosidase. Last evaluated: 2021-09-17. Review status: criteria provided, single submitter. Criteria: Invitae Variant Classification Sherloc (09022015). Collection method: clinical testing. Allele origin: germline.
Comment: This sequence change replaces glycine with arginine at codon 874 of the MAN2B1 protein (p.Gly874Arg). The glycine residue is moderately conserved and there is a moderate physicochemical difference between glycine and arginine. This variant is not present in population databases (ExAC no frequency). This variant has not been reported in the literature in individuals affected with MAN2B1-related conditions. Algorithms developed to predict the effect of missense changes on protein structure and function are either unavailable or do not agree on the potential impact of this missense change (SIFT: "Tolerated"; PolyPhen-2: "Possibly Damaging"; Align-GVGD: "Class C0"). In summary, the available evidence is currently insufficient to determine the role of this variant in disease. Therefore, it has been classified as a Variant of Uncertain Significance.

Ambry Genetics
Classification: Uncertain significance for Inborn genetic diseases. Last evaluated: 2021-07-14. Review status: criteria provided, single submitter. Criteria: Ambry Variant Classification Scheme 2023. Collection method: clinical testing. Allele origin: germline.

NM_000528.4(MAN2B1):c.2620G>C (p.Gly874Arg)

Gene: MAN2B1 (mannosidase alpha class 2B member 1; minus strand). Cytogenetic location: 19p13.13.
Variant type: single nucleotide variant.
Coding change: c.2620G>C on transcript NM_000528.4 (MANE Select); coding-DNA position 2620, G replaced by C.
Protein change: p.Gly874Arg; replaces glycine 874 with arginine.
Molecular consequence: missense variant.
Genome position (GRCh38, 1-based): chr19:12,648,219, C>G on the plus strand (G>C on the coding strand, the complement: MAN2B1 is on the minus strand). VCF-style: chr19-12648219-C-G. GRCh37 (hg19) VCF-style: chr19-12759033-C-G.
Other names: c.2617G>C, p.Gly873Arg (NM_001173498.2); short protein forms G874R, G873R.
Identifiers: ClinVar variation 2057122 (VCV002057122.2), dbSNP rs1230523125, ClinGen allele CA404239586.